The following is an entry in ClinVar:

NM_017612.5(ZCCHC8):c.308C>T (p.Ala103Val)

Gene: ZCCHC8 (zinc finger CCHC-type containing 8; minus strand). Cytogenetic location: 12q24.31.
Variant type: single nucleotide variant.
Coding change: c.308C>T on transcript NM_017612.5 (MANE Select); coding-DNA position 308, C replaced by T.
Protein change: p.Ala103Val; replaces alanine 103 with valine.
Molecular consequence: missense variant. On other transcripts: 5 prime UTR variant (2).
Genome position (GRCh38, 1-based): chr12:122,492,724, G>A on the plus strand (C>T on the coding strand, the complement: ZCCHC8 is on the minus strand). VCF-style: chr12-122492724-G-A. GRCh37 (hg19) VCF-style: chr12-122977271-G-A.
Other names: c.308C>T, p.Ala103Val (NM_001350935.2); c.11C>T, p.Ala4Val (NM_001350936.2); c.-237C>T (NM_001350937.2); c.-131C>T (NM_001350938.2); short protein forms A4V, A103V.
Identifiers: ClinVar variation 3719026 (VCV003719026.2).

ClinVar aggregate classification (germline): Uncertain significance (1 of 4 stars; one submission).

gnomAD v4.1: 5 of 1,536,048 alleles (0.00033%); highest among the groups gnomAD compares: Admixed American, 0.002%; no homozygotes.

Submission:

Labcorp Genetics (formerly Invitae), Labcorp
Classification: Uncertain significance. Last evaluated: 2024-12-26. Review status: criteria provided, single submitter. Criteria: Invitae Variant Classification Sherloc (09022015). Collection method: clinical testing. Allele origin: germline.
Comment: This sequence change replaces alanine, which is neutral and non-polar, with valine, which is neutral and non-polar, at codon 103 of the ZCCHC8 protein (p.Ala103Val). The frequency data for this variant in the population databases is considered unreliable, as metrics indicate poor data quality at this position in the gnomAD database. This variant has not been reported in the literature in individuals affected with ZCCHC8-related conditions. Invitae Evidence Modeling of protein sequence and biophysical properties (such as structural, functional, and spatial information, amino acid conservation, physicochemical variation, residue mobility, and thermodynamic stability) indicates that this missense variant is not expected to disrupt ZCCHC8 protein function with a negative predictive value of 80%. In summary, the available evidence is currently insufficient to determine the role of this variant in disease. Therefore, it has been classified as a Variant of Uncertain Significance.